The following is an entry in ClinVar:

ClinVar aggregate classification (germline): Uncertain significance (1 of 4 stars; one submission).

Conditions:
Chédiak-Higashi syndrome (CHS). Also called: Chediak-Higashi Syndrome. Identifiers: Orphanet 167, MedGen C0007965, MONDO:0008963, OMIM 214500.

Submission:

Labcorp Genetics (formerly Invitae), Labcorp
Classification: Uncertain significance for Chédiak-Higashi syndrome. Last evaluated: 2022-01-17. Review status: criteria provided, single submitter. Criteria: Invitae Variant Classification Sherloc (09022015). Collection method: clinical testing. Allele origin: germline.
Comment: This sequence change replaces arginine, which is basic and polar, with leucine, which is neutral and non-polar, at codon 2225 of the LYST protein (p.Arg2225Leu). In summary, the available evidence is currently insufficient to determine the role of this variant in disease. Therefore, it has been classified as a Variant of Uncertain Significance. Algorithms developed to predict the effect of missense changes on protein structure and function are either unavailable or do not agree on the potential impact of this missense change (SIFT: "Deleterious"; PolyPhen-2: "Benign"; Align-GVGD: "Class C0"). This variant has not been reported in the literature in individuals affected with LYST-related conditions. This variant is not present in population databases (gnomAD no frequency).

NM_000081.4(LYST):c.6674G>T (p.Arg2225Leu)

Gene: LYST (lysosomal trafficking regulator; minus strand). Cytogenetic location: 1q42.3.
Variant type: single nucleotide variant.
Coding change: c.6674G>T on transcript NM_000081.4 (MANE Select); coding-DNA position 6674, G replaced by T.
Protein change: p.Arg2225Leu; replaces arginine 2225 with leucine.
Molecular consequence: missense variant.
Genome position (GRCh38, 1-based): chr1:235,759,179, C>A on the plus strand (G>T on the coding strand, the complement: LYST is on the minus strand). VCF-style: chr1-235759179-C-A. GRCh37 (hg19) VCF-style: chr1-235922479-C-A.
Other names: c.6674G>T, p.Arg2225Leu (NM_001301365.1); short protein forms R2225L.
Identifiers: ClinVar variation 2087403 (VCV002087403.4), dbSNP rs774836643, ClinGen allele CA344939965.